The following is an entry in ClinVar:

NM_000057.4(BLM):c.1507A>G (p.Ser503Gly)

Gene: BLM (BLM RecQ like helicase; plus strand). Cytogenetic location: 15q26.1.
Variant type: single nucleotide variant.
Coding change: c.1507A>G on transcript NM_000057.4 (MANE Select); coding-DNA position 1507, A replaced by G.
Protein change: p.Ser503Gly; replaces serine 503 with glycine.
Molecular consequence: missense variant.
Genome position (GRCh38, 1-based): chr15:90,760,880, A>G. VCF-style: chr15-90760880-A-G. GRCh37 (hg19) VCF-style: chr15-91304110-A-G.
Other names: c.1507A>G, p.Ser503Gly (NM_001287246.2, NM_001287247.2); c.382A>G, p.Ser128Gly (NM_001287248.2); short protein forms S128G, S503G.
Identifiers: ClinVar variation 1774107 (VCV001774107.2), dbSNP rs2151158369, ClinGen allele CA393843206.
Genomic context (GRCh38, chr15:90,760,880, plus strand): 5'-AGGAAGAATCTTTTTGAAAGGCCTTTATTCAATACCCATTTACAGAAGTCCTTTGTAAGT[A>G]GCAACTGGGCTGAAACACCAAGACTAGGAAAAAAAAATGAAAGCTCTTATTTCCCAGGAA-3'
Protein context (NP_000048.1, residues 493-513): NTHLQKSFVS[Ser503Gly]NWAETPRLGK

ClinVar aggregate classification (germline): Uncertain significance (1 of 4 stars; one submission).

Conditions:
Hereditary cancer-predisposing syndrome. Also called: Hereditary Cancer Syndrome; Hereditary neoplastic syndrome; Neoplastic Syndromes, Hereditary; Tumor predisposition. Identifiers: Orphanet 140162, MedGen C0027672, MeSH D009386, MONDO:0015356.

Submission:

Ambry Genetics
Classification: Uncertain significance for Hereditary cancer-predisposing syndrome. Last evaluated: 2020-07-28. Review status: criteria provided, single submitter. Criteria: Ambry Variant Classification Scheme 2023. Collection method: clinical testing. Allele origin: germline.
Comment: The p.S503G variant (also known as c.1507A>G), located in coding exon 6 of the BLM gene, results from an A to G substitution at nucleotide position 1507. The serine at codon 503 is replaced by glycine, an amino acid with similar properties. This amino acid position is not well conserved in available vertebrate species, and glycine is the reference amino acid in other vertebrate species. In addition, this alteration is predicted to be tolerated by in silico analysis. Since supporting evidence is limited at this time, the clinical significance of this alteration remains unclear.